The following is an entry in ClinVar:

NM_153240.5(NPHP3):c.3386C>A (p.Pro1129Gln)

Genes: NPHP3 (nephrocystin 3; minus strand), NPHP3-ACAD11 (NPHP3-ACAD11 readthrough (NMD candidate); minus strand). Cytogenetic location: 3q22.1.
Variant type: single nucleotide variant.
Coding change: c.3386C>A on transcript NM_153240.5 (MANE Select); coding-DNA position 3386, C replaced by A.
Protein change: p.Pro1129Gln; replaces proline 1129 with glutamine.
Molecular consequence: missense variant. On other transcripts: non-coding transcript variant (1).
Genome position (GRCh38, 1-based): chr3:132,684,738, G>T on the plus strand (C>A on the coding strand, the complement: NPHP3 is on the minus strand). VCF-style: chr3-132684738-G-T. GRCh37 (hg19) VCF-style: chr3-132403582-G-T.
Other names: short protein forms P1129Q.
Identifiers: ClinVar variation 1525357 (VCV001525357.6), dbSNP rs1939112649, ClinGen allele CA354579126.

ClinVar aggregate classification (germline): Uncertain significance (1 of 4 stars; one submission).

Conditions:
Nephronophthisis. Also called: Juvenile Nephronophthisis. Identifiers: Orphanet 655, MedGen C0687120, MONDO:0019005, HP:0000090.

Allele frequency attached by ClinVar (database versions not stated): gnomAD exomes below 0.00001.
gnomAD v4.1: 1 of 1,613,920 alleles (0.000062%); highest among the groups gnomAD compares: South Asian, 0.0011%; no homozygotes.

Submission:

Labcorp Genetics (formerly Invitae), Labcorp
Classification: Uncertain significance for Nephronophthisis. Last evaluated: 2025-11-03. Review status: criteria provided, single submitter. Criteria: Invitae Variant Classification Sherloc (09022015). Collection method: clinical testing. Allele origin: germline.
Comment: This sequence change replaces proline, which is neutral and non-polar, with glutamine, which is neutral and polar, at codon 1129 of the NPHP3 protein (p.Pro1129Gln). This variant is not present in population databases (gnomAD no frequency). This variant has not been reported in the literature in individuals affected with NPHP3-related conditions. ClinVar contains an entry for this variant (Variation ID: 1525357). Invitae Evidence Modeling of protein sequence and biophysical properties (such as structural, functional, and spatial information, amino acid conservation, physicochemical variation, residue mobility, and thermodynamic stability) indicates that this missense variant is not expected to disrupt NPHP3 protein function with a negative predictive value of 80%. In summary, the available evidence is currently insufficient to determine the role of this variant in disease. Therefore, it has been classified as a Variant of Uncertain Significance.